The following is an entry in ClinVar:

NM_006121.4(KRT1):c.1295G>A (p.Arg432His)

Gene: KRT1 (keratin 1; minus strand). Cytogenetic location: 12q13.13.
Variant type: single nucleotide variant.
Coding change: c.1295G>A on transcript NM_006121.4 (MANE Select); coding-DNA position 1295, G replaced by A.
Protein change: p.Arg432His; replaces arginine 432 with histidine.
Molecular consequence: missense variant.
Genome position (GRCh38, 1-based): chr12:52,676,455, C>T on the plus strand (G>A on the coding strand, the complement: KRT1 is on the minus strand). VCF-style: chr12-52676455-C-T. GRCh37 (hg19) VCF-style: chr12-53070239-C-T.
Other names: c.1295G>A (NM_006121.3); short protein forms R432H.
Identifiers: ClinVar variation 2717630 (VCV002717630.4), dbSNP rs373780324, ClinGen allele CA6586201.

ClinVar aggregate classification (germline): Uncertain significance. Review status: criteria provided, multiple submitters, no conflicts (2 of 4 stars). 2 submissions from 2 submitters: Uncertain significance (2). Last evaluated 2023-11-21.

Allele frequency attached by ClinVar (database versions not stated): gnomAD exomes 0.00002; ExAC 0.00003; TOPMed 0.00003; gnomAD 0.00005; ESP Exome Variant Server 0.00008.
gnomAD v4.1: 43 of 1,614,092 alleles (0.0027%); highest among the groups gnomAD compares: Admixed American, 0.015%; no homozygotes.

Submissions (2):

GeneDx
Classification: Uncertain significance. Last evaluated: 2023-11-21. Review status: criteria provided, single submitter. Criteria: GeneDx Variant Classification Process June 2021. Collection method: clinical testing. Allele origin: germline. Affected: yes.
Comment: Has not been previously published as pathogenic or benign to our knowledge; In silico analysis supports that this missense variant has a deleterious effect on protein structure/function

Labcorp Genetics (formerly Invitae), Labcorp
Classification: Uncertain significance. Last evaluated: 2023-06-26. Review status: criteria provided, single submitter. Criteria: Invitae Variant Classification Sherloc (09022015). Collection method: clinical testing. Allele origin: germline.
Comment: This sequence change replaces arginine, which is basic and polar, with histidine, which is basic and polar, at codon 432 of the KRT1 protein (p.Arg432His). This variant is present in population databases (rs373780324, gnomAD 0.02%). This variant has not been reported in the literature in individuals affected with KRT1-related conditions. Advanced modeling of protein sequence and biophysical properties (such as structural, functional, and spatial information, amino acid conservation, physicochemical variation, residue mobility, and thermodynamic stability) has been performed at Invitae for this missense variant, however the output from this modeling did not meet the statistical confidence thresholds required to predict the impact of this variant on KRT1 protein function. In summary, the available evidence is currently insufficient to determine the role of this variant in disease. Therefore, it has been classified as a Variant of Uncertain Significance.